The following is an entry in ClinVar:

ClinVar aggregate classification (germline): Uncertain significance. Review status: criteria provided, multiple submitters, no conflicts (2 of 4 stars). 3 submissions from 3 submitters: Uncertain significance (3). Last evaluated 2024-10-30.

Conditions:
Inborn genetic diseases. Identifiers: MedGen C0950123, MeSH D030342.
Multiple acyl-CoA dehydrogenase deficiency (MADD). Also called: Glutaric aciduria, type 2; ETHYLMALONIC-ADIPICACIDURIA; GA II; Glutaric Acidemia type 2; Glutaric acidemia type II; GA 2. Identifiers: Orphanet 26791, MedGen C0268596, MONDO:0009282, OMIM 231680.

Allele frequency attached by ClinVar (database versions not stated): TOPMed 0.00003; gnomAD exomes 0.00004 and 0.00005; ExAC 0.00005; gnomAD 0.00005 and 0.00006.
gnomAD v4.1: 83 of 1,614,060 alleles (0.0051%); highest among the groups gnomAD compares: Non-Finnish European, 0.0069%; no homozygotes.

Submissions (3):

GeneDx
Classification: Uncertain significance. Last evaluated: 2024-10-30. Review status: criteria provided, single submitter. Criteria: GeneDx Variant Classification Process June 2021. Collection method: clinical testing. Allele origin: germline. Affected: yes.
Comment: Not observed at significant frequency in large population cohorts (gnomAD); In silico analysis supports that this missense variant has a deleterious effect on protein structure/function; Has not been previously published as pathogenic or benign to our knowledge

Ambry Genetics
Classification: Uncertain significance for Inborn genetic diseases. Last evaluated: 2023-02-23. Review status: criteria provided, single submitter. Criteria: Ambry Variant Classification Scheme 2023. Collection method: clinical testing. Allele origin: germline.

Labcorp Genetics (formerly Invitae), Labcorp
Classification: Uncertain significance for Multiple acyl-CoA dehydrogenase deficiency. Last evaluated: 2022-06-28. Review status: criteria provided, single submitter. Criteria: Invitae Variant Classification Sherloc (09022015). Collection method: clinical testing. Allele origin: germline.
Comment: This sequence change replaces proline, which is neutral and non-polar, with threonine, which is neutral and polar, at codon 40 of the ETFB protein (p.Pro40Thr). This variant is present in population databases (rs772322071, gnomAD 0.009%). This variant has not been reported in the literature in individuals affected with ETFB-related conditions. ClinVar contains an entry for this variant (Variation ID: 969573). Advanced modeling of protein sequence and biophysical properties (such as structural, functional, and spatial information, amino acid conservation, physicochemical variation, residue mobility, and thermodynamic stability) performed at Invitae indicates that this missense variant is expected to disrupt ETFB protein function. In summary, the available evidence is currently insufficient to determine the role of this variant in disease. Therefore, it has been classified as a Variant of Uncertain Significance.

NM_001985.3(ETFB):c.118C>A (p.Pro40Thr)

Gene: ETFB (electron transfer flavoprotein subunit beta; minus strand). Cytogenetic location: 19q13.41.
Variant type: single nucleotide variant.
Coding change: c.118C>A on transcript NM_001985.3 (MANE Select); coding-DNA position 118, C replaced by A.
Protein change: p.Pro40Thr; replaces proline 40 with threonine.
Molecular consequence: missense variant.
Genome position (GRCh38, 1-based): chr19:51,354,248, G>T on the plus strand (C>A on the coding strand, the complement: ETFB is on the minus strand). VCF-style: chr19-51354248-G-T. GRCh37 (hg19) VCF-style: chr19-51857502-G-T.
Other names: c.391C>A, p.Pro131Thr (NM_001014763.1); short protein forms P40T, P131T.
Identifiers: ClinVar variation 969573 (VCV000969573.8), dbSNP rs772322071, ClinGen allele CA9610861.